The following is an entry in ClinVar:

ClinVar aggregate classification (germline): Uncertain significance (1 of 4 stars; one submission).

Conditions:
Inborn genetic diseases. Identifiers: MedGen C0950123, MeSH D030342.

Submission:

Ambry Genetics
Classification: Uncertain significance for Inborn genetic diseases. Last evaluated: 2023-04-22. Review status: criteria provided, single submitter. Criteria: Ambry Variant Classification Scheme 2023. Collection method: clinical testing. Allele origin: germline.
Comment: The p.Y151H variant (also known as c.451T>C), located in coding exon 4 of the IDS gene, results from a T to C substitution at nucleotide position 451. The tyrosine at codon 151 is replaced by histidine, an amino acid with similar properties. This amino acid position is conserved. In addition, this alteration is predicted to be deleterious by in silico analysis. Since supporting evidence is limited at this time, the clinical significance of this alteration remains unclear.

NM_000202.8(IDS):c.451T>C (p.Tyr151His)

Genes: IDS (iduronate 2-sulfatase; minus strand), LOC106050102 (IDS recombination region; plus strand). Cytogenetic location: Xq28.
Variant type: single nucleotide variant.
Coding change: c.451T>C on transcript NM_000202.8 (MANE Select); coding-DNA position 451, T replaced by C.
Protein change: p.Tyr151His; replaces tyrosine 151 with histidine.
Molecular consequence: missense variant. On other transcripts: non-coding transcript variant (1).
Genome position (GRCh38, 1-based): chrX:149,501,005, A>G on the plus strand (T>C on the coding strand, the complement: IDS is on the minus strand). VCF-style: chrX-149501005-A-G. GRCh37 (hg19) VCF-style: chrX-148582536-A-G.
Other names: c.181T>C, p.Tyr61His (NM_001166550.4); c.451T>C, p.Tyr151His (NM_006123.5); short protein forms Y151H, Y61H.
Identifiers: ClinVar variation 2562692 (VCV002562692.2), dbSNP rs2520881029, ClinGen allele CA414523174.